The following is an entry in ClinVar:

ClinVar aggregate classification (germline): Uncertain significance (0 of 4 stars; one submission).

Conditions:
DSCAM-related disorder. Also called: DSCAM-related condition.

Submission:

PreventionGenetics, part of Exact Sciences
Classification: Uncertain significance for DSCAM-related condition. Last evaluated: 2024-09-20. Review status: no assertion criteria provided. Collection method: clinical testing. Allele origin: germline.
Comment: The DSCAM c.2656C>A variant is predicted to result in the amino acid substitution p.Pro886Thr. To our knowledge, this variant has not been reported in the literature or in a large population database, indicating this variant is rare. At this time, the clinical significance of this variant is uncertain due to the absence of conclusive functional and genetic evidence.

NM_001389.5(DSCAM):c.2656C>A (p.Pro886Thr)

Gene: DSCAM (DS cell adhesion molecule; minus strand). Cytogenetic location: 21q22.2.
Variant type: single nucleotide variant.
Coding change: c.2656C>A on transcript NM_001389.5 (MANE Select); coding-DNA position 2656, C replaced by A.
Protein change: p.Pro886Thr; replaces proline 886 with threonine.
Molecular consequence: missense variant. On other transcripts: non-coding transcript variant (1).
Genome position (GRCh38, 1-based): chr21:40,187,254, G>T on the plus strand (C>A on the coding strand, the complement: DSCAM is on the minus strand). VCF-style: chr21-40187254-G-T. GRCh37 (hg19) VCF-style: chr21-41559181-G-T.
Other names: c.2656C>A, p.Pro886Thr (NM_001271534.3); short protein forms P886T.
Identifiers: ClinVar variation 3347577 (VCV003347577.1).